The following is an entry in ClinVar:

ClinVar aggregate classification (germline): Pathogenic (1 of 4 stars; one submission).

Conditions:
Hereditary cancer-predisposing syndrome. Also called: Neoplastic Syndromes, Hereditary; Tumor predisposition; Hereditary Cancer Syndrome; Hereditary neoplastic syndrome. Identifiers: Orphanet 140162, MedGen C0027672, MeSH D009386, MONDO:0015356.

Submission:

Ambry Genetics
Classification: Pathogenic for Hereditary cancer-predisposing syndrome. Last evaluated: 2022-07-01. Review status: criteria provided, single submitter. Criteria: Ambry Variant Classification Scheme 2023. Collection method: clinical testing. Allele origin: germline.
Comment: The c.883dupA pathogenic mutation, located in coding exon 7 of the CDH1 gene, results from a duplication of A at nucleotide position 883, causing a translational frameshift with a predicted alternate stop codon (p.T295Nfs*16). This variant is considered to be rare based on population cohorts in the Genome Aggregation Database (gnomAD). This alteration is expected to result in loss of function by premature protein truncation or nonsense-mediated mRNA decay. As such, this alteration is interpreted as a disease-causing mutation.

NM_004360.5(CDH1):c.883dup (p.Thr295fs)

Gene: CDH1 (cadherin 1; plus strand). Cytogenetic location: 16q22.1.
Variant type: Duplication.
Coding change: c.883dup on transcript NM_004360.5 (MANE Select); coding-DNA position 883, one base duplicated (A; older notation c.883dupA).
Protein change: p.Thr295fs; shifts the reading frame from threonine 295.
Molecular consequence: frameshift variant. On other transcripts: 5 prime UTR variant (2).
Genome position (GRCh38, 1-based): chr16:68,811,734, A duplicated. VCF-style (leftmost placement, unchanged base first): chr16-68811733-C-CA. GRCh37 (hg19) VCF-style: chr16-68845636-C-CA.
Other names: c.883dup, p.Thr295fs (NM_001317184.2); c.-733dup (NM_001317185.2); c.-937dup (NM_001317186.2); c.883dupA (NM_004360.3); short protein forms T295fs.
Identifiers: ClinVar variation 1764841 (VCV001764841.2), dbSNP rs2543922286, ClinGen allele CA2580091841.